The following is an entry in ClinVar:

ClinVar aggregate classification (germline): Uncertain significance. Review status: criteria provided, multiple submitters, no conflicts (2 of 4 stars). 2 submissions from 2 submitters: Uncertain significance (2). Last evaluated 2025-11-17.

gnomAD v4.1: 12 of 1,611,472 alleles (0.00074%); highest among the groups gnomAD compares: South Asian, 0.0011%; no homozygotes.

Submissions (2):

Labcorp Genetics (formerly Invitae), Labcorp
Classification: Uncertain significance. Last evaluated: 2025-11-17. Review status: criteria provided, single submitter. Criteria: Invitae Variant Classification Sherloc (09022015). Collection method: clinical testing. Allele origin: germline.
Comment: This sequence change replaces isoleucine, which is neutral and non-polar, with arginine, which is basic and polar, at codon 94 of the IL6ST protein (p.Ile94Arg). This variant is present in population databases (rs150561363, gnomAD 0.003%). This variant has not been reported in the literature in individuals affected with IL6ST-related conditions. ClinVar contains an entry for this variant (Variation ID: 2613909). An algorithm developed to predict the effect of missense changes on protein structure and function (PolyPhen-2) suggests that this variant is likely to be tolerated. In summary, the available evidence is currently insufficient to determine the role of this variant in disease. Therefore, it has been classified as a Variant of Uncertain Significance.

Ambry Genetics
Classification: Uncertain significance. Last evaluated: 2023-07-25. Review status: criteria provided, single submitter. Criteria: Ambry Variant Classification Scheme 2023. Collection method: clinical testing. Allele origin: germline.

NM_002184.4(IL6ST):c.281T>G (p.Ile94Arg)

Gene: IL6ST (interleukin 6 cytokine family signal transducer; minus strand). Cytogenetic location: 5q11.2.
Variant type: single nucleotide variant.
Coding change: c.281T>G on transcript NM_002184.4 (MANE Select); coding-DNA position 281, T replaced by G.
Protein change: p.Ile94Arg; replaces isoleucine 94 with arginine.
Molecular consequence: missense variant. On other transcripts: 5 prime UTR variant (3), non-coding transcript variant (2), intron variant (1).
Genome position (GRCh38, 1-based): chr5:55,969,639, A>C on the plus strand (T>G on the coding strand, the complement: IL6ST is on the minus strand). VCF-style: chr5-55969639-A-C. GRCh37 (hg19) VCF-style: chr5-55265467-A-C.
Other names: c.281T>G, p.Ile94Arg (NM_001190981.2, NM_001364275.2, NM_175767.3); c.-512T>G (NM_001364277.2, NM_001364279.2); c.-502T>G (NM_001364278.2); c.160+121T>G (NM_001364276.2); short protein forms I94R.
Identifiers: ClinVar variation 2613909 (VCV002613909.5), dbSNP rs150561363, ClinGen allele CA3271739.